The following is an entry in ClinVar:

ClinVar aggregate classification (germline): Conflicting classifications of pathogenicity. Review status: criteria provided, conflicting classifications (1 of 4 stars). 6 submissions from 6 submitters: Uncertain significance (4); Likely benign (2). Last evaluated 2024-10-01.

Conditions:
Hereditary breast ovarian cancer syndrome. Also called: Hereditary breast and ovarian cancer syndrome; Hereditary breast and ovarian cancer syndrome (HBOC); BRCA1- and BRCA2-Associated Hereditary Breast and Ovarian Cancer; Breast and ovarian cancer; Hereditary breast and ovarian cancer; Hereditary breast and/or ovarian cancer syndrome. Identifiers: Orphanet 145, MedGen C0677776, MeSH D061325, MONDO:0003582. Disease mechanism: loss of function.
Breast-ovarian cancer, familial, susceptibility to, 1 (BROVCA1). Also called: OVARIAN CANCER, SUSCEPTIBILITY TO; BRCA1 Hereditary Breast and Ovarian Cancer. Identifiers: Orphanet 145, MedGen C2676676, MONDO:0011450, OMIM 604370. Disease mechanism: loss of function.
Hereditary cancer-predisposing syndrome. Also called: Hereditary Cancer Syndrome; Hereditary neoplastic syndrome; Tumor predisposition; Neoplastic Syndromes, Hereditary. Identifiers: Orphanet 140162, MedGen C0027672, MeSH D009386, MONDO:0015356.

Submissions (6):

ARUP Laboratories, Molecular Genetics and Genomics, ARUP Laboratories
Classification: Likely benign. Last evaluated: 2024-10-01. Review status: criteria provided, single submitter. Criteria: ARUP Molecular Germline Variant Investigation Process 2024. Collection method: clinical testing. Allele origin: germline.

Labcorp Genetics (formerly Invitae), Labcorp
Classification: Uncertain significance for Hereditary breast ovarian cancer syndrome. Last evaluated: 2024-01-16. Review status: criteria provided, single submitter. Criteria: Invitae Variant Classification Sherloc (09022015). Collection method: clinical testing. Allele origin: germline.
Comment: This sequence change replaces phenylalanine, which is neutral and non-polar, with leucine, which is neutral and non-polar, at codon 958 of the BRCA1 protein (p.Phe958Leu). This variant is not present in population databases (gnomAD no frequency). This missense change has been observed in individual(s) with BRCA1-related cancer (PMID: 27062684). ClinVar contains an entry for this variant (Variation ID: 186606). Advanced modeling of protein sequence and biophysical properties (such as structural, functional, and spatial information, amino acid conservation, physicochemical variation, residue mobility, and thermodynamic stability) performed at Invitae indicates that this missense variant is not expected to disrupt BRCA1 protein function with a negative predictive value of 95%. In summary, the available evidence is currently insufficient to determine the role of this variant in disease. Therefore, it has been classified as a Variant of Uncertain Significance.

University of Washington Department of Laboratory Medicine, University of Washington
Classification: Likely benign for Hereditary cancer-predisposing syndrome. Last evaluated: 2023-03-23. Review status: criteria provided, single submitter. Criteria: Dines et al. (Genet Med. 2020). Collection method: curation. Allele origin: germline.
Comment: Missense variant in a coldspot region where missense variants are very unlikely to be pathogenic (PMID:31911673).

BRCA1 coldspot (exon 11 using historical exon numbering). Reclassification based on statistical prior probability

Color Diagnostics, LLC DBA Color Health
Classification: Uncertain significance for Hereditary cancer-predisposing syndrome. Last evaluated: 2019-02-06. Review status: criteria provided, single submitter. Criteria: ACMG Guidelines, 2015. Collection method: clinical testing. Allele origin: germline.

Illumina Laboratory Services, Illumina
Classification: Uncertain significance for Breast-ovarian cancer, familial, susceptibility to, 1. Last evaluated: 2017-04-28. Review status: criteria provided, single submitter. Criteria: ICSL Variant Classification Criteria 13 December 2019. Collection method: clinical testing. Allele origin: germline.

Ambry Genetics
Classification: Uncertain significance for Hereditary cancer-predisposing syndrome. Last evaluated: 2014-10-20. Review status: criteria provided, single submitter. Criteria: Ambry Variant Classification Scheme 2023. Collection method: clinical testing. Allele origin: germline.
Comment: The p.F958L variant (also known as c.2872T>C and 2991T>C) is located in coding exon 9 of the BRCA1 gene. This alteration results from a T to C substitution at nucleotide position 2872. The phenylalanine at codon 958 is replaced by leucine, an amino acid with some similar properties. This variant was not reported in population-based cohorts in the following databases: Database of Single Nucleotide Polymorphisms (dbSNP), NHLBI Exome Sequencing Project (ESP) and 1000 Genomes Project. To date, this alteration has been detected with an allele frequency of approximately 0.001% (greater than 150000 alleles tested) in our clinical cohort. This amino acid position is not well conserved in available vertebrate species. In addition, the in silico prediction for this alteration is inconclusive. Since supporting evidence is limited at this time, the clinical significance of p.F958L remains unclear.

Literature cited by the submitters: PubMed 27062684 (cited by Labcorp Genetics (formerly Invitae), Labcorp).

NM_007294.4(BRCA1):c.2872T>C (p.Phe958Leu)

Gene: BRCA1 (BRCA1 DNA repair associated; minus strand). Cytogenetic location: 17q21.31.
Variant type: single nucleotide variant.
Coding change: c.2872T>C on transcript NM_007294.4 (MANE Select); coding-DNA position 2872, T replaced by C.
Protein change: p.Phe958Leu; replaces phenylalanine 958 with leucine.
Molecular consequence: missense variant. On other transcripts: intron variant (137).
Genome position (GRCh38, 1-based): chr17:43,092,659, A>G on the plus strand (T>C on the coding strand, the complement: BRCA1 is on the minus strand). VCF-style: chr17-43092659-A-G. GRCh37 (hg19) VCF-style: chr17-41244676-A-G.
Other names: c.785-1627T>C (NM_001408400.1, NM_001408392.1, NM_001407986.1 and 13 more transcripts); c.665-1627T>C (NM_001408441.1, NM_001408437.1, NM_001408429.1 and 12 more transcripts); c.788-1627T>C (NM_001407979.1, NM_001407977.1, NM_001407982.1 and 17 more transcripts); c.647-1627T>C (NM_001408410.1, NM_001408458.1, NM_001408469.1 and 11 more transcripts); c.710-1627T>C (NM_001408415.1, NM_001408412.1, NM_001408409.1 and 2 more transcripts); c.578-1627T>C (NM_001408483.1, NM_001408481.1, NM_001408480.1 and 9 more transcripts); c.2659T>C, p.Phe887Leu (NM_001407571.1, NM_001407898.1, NM_001407899.1 and 9 more transcripts); c.2872T>C, p.Phe958Leu (NM_001407581.1, NM_001407582.1, NM_001407583.1 and 30 more transcripts); and 41 more; short protein forms F958L, F911L, F891L, F910L, F917L, F957L, F846L, F847L.
Identifiers: ClinVar variation 186606 (VCV000186606.22), dbSNP rs80356878, ClinGen allele CA001875.